The following is an entry in ClinVar:

ClinVar aggregate classification (germline): Uncertain significance (1 of 4 stars; one submission).

Conditions:
Immunodeficiency, common variable, 1. Also called: ANTIBODY DEFICIENCY DUE TO ICOS DEFECT. Identifiers: Orphanet 1572, Orphanet 695183, MedGen C3149378, MONDO:0011864, OMIM 607594.

Allele frequency attached by ClinVar (database versions not stated): gnomAD exomes below 0.00001.
gnomAD v4.1: 1 of 1,613,886 alleles (0.000062%); highest among the groups gnomAD compares: Non-Finnish European, 0.000085%; no homozygotes.

Submission:

Labcorp Genetics (formerly Invitae), Labcorp
Classification: Uncertain significance for Immunodeficiency, common variable, 1. Last evaluated: 2021-03-24. Review status: criteria provided, single submitter. Criteria: Invitae Variant Classification Sherloc (09022015). Collection method: clinical testing. Allele origin: germline.
Comment: This sequence change replaces serine with arginine at codon 79 of the ICOS protein (p.Ser79Arg). The serine residue is weakly conserved and there is a moderate physicochemical difference between serine and arginine. This variant is not present in population databases (ExAC no frequency). This variant has not been reported in the literature in individuals with ICOS-related conditions. Algorithms developed to predict the effect of missense changes on protein structure and function (SIFT, PolyPhen-2, Align-GVGD) all suggest that this variant is likely to be tolerated, but these predictions have not been confirmed by published functional studies and their clinical significance is uncertain. In summary, the available evidence is currently insufficient to determine the role of this variant in disease. Therefore, it has been classified as a Variant of Uncertain Significance.

NM_012092.4(ICOS):c.235A>C (p.Ser79Arg)

Gene: ICOS (inducible T cell costimulator; plus strand). Cytogenetic location: 2q33.2.
Variant type: single nucleotide variant.
Coding change: c.235A>C on transcript NM_012092.4 (MANE Select); coding-DNA position 235, A replaced by C.
Protein change: p.Ser79Arg; replaces serine 79 with arginine.
Molecular consequence: missense variant.
Genome position (GRCh38, 1-based): chr2:203,955,812, A>C. VCF-style: chr2-203955812-A-C. GRCh37 (hg19) VCF-style: chr2-204820535-A-C.
Other names: short protein forms S79R.
Identifiers: ClinVar variation 1416139 (VCV001416139.8), dbSNP rs2105754222, ClinGen allele CA350139941.